The following is an entry in ClinVar:

NM_003190.5(TAPBP):c.1069G>A (p.Asp357Asn)

Gene: TAPBP (TAP binding protein; minus strand). Cytogenetic location: 6p21.32.
Variant type: single nucleotide variant.
Coding change: c.1069G>A on transcript NM_003190.5 (MANE Select); coding-DNA position 1069, G replaced by A.
Protein change: p.Asp357Asn; replaces aspartic acid 357 with asparagine.
Molecular consequence: missense variant.
Genome position (GRCh38, 1-based): chr6:33,304,438, C>T on the plus strand (G>A on the coding strand, the complement: TAPBP is on the minus strand). VCF-style: chr6-33304438-C-T. GRCh37 (hg19) VCF-style: chr6-33272215-C-T.
Other names: c.1069G>A, p.Asp357Asn (NM_172208.3); c.808G>A, p.Asp270Asn (NM_172209.3); short protein forms D357N, D270N.
Identifiers: ClinVar variation 576167 (VCV000576167.10), dbSNP rs376210117, ClinGen allele CA3755729.

ClinVar aggregate classification (germline): Uncertain significance (1 of 4 stars; one submission).

Conditions:
MHC class I deficiency. Identifiers: Orphanet 34592, MedGen C6024714, MONDO:0011476.

Allele frequency attached by ClinVar (database versions not stated): ESP Exome Variant Server 0.00008; gnomAD 0.00006 and 0.00007; gnomAD exomes 0.00004; TOPMed 0.00006; ExAC 0.00007.

Submission:

Labcorp Genetics (formerly Invitae), Labcorp
Classification: Uncertain significance for MHC class I deficiency 1. Last evaluated: 2025-11-04. Review status: criteria provided, single submitter. Criteria: Invitae Variant Classification Sherloc (09022015). Collection method: clinical testing. Allele origin: germline.
Comment: This sequence change replaces aspartic acid, which is acidic and polar, with asparagine, which is neutral and polar, at codon 357 of the TAPBP protein (p.Asp357Asn). This variant is present in population databases (rs376210117, gnomAD 0.008%). This variant has not been reported in the literature in individuals affected with TAPBP-related conditions. ClinVar contains an entry for this variant (Variation ID: 576167). An algorithm developed to predict the effect of missense changes on protein structure and function (PolyPhen-2) suggests that this variant is likely to be disruptive. In summary, the available evidence is currently insufficient to determine the role of this variant in disease. Therefore, it has been classified as a Variant of Uncertain Significance.